The following is an entry in ClinVar:

ClinVar aggregate classification (germline): Pathogenic/Likely pathogenic. Review status: criteria provided, multiple submitters, no conflicts (2 of 4 stars). 2 submissions from 2 submitters: Pathogenic (1); Likely pathogenic (1). Last evaluated 2024-04-30.

Conditions:
Epidermolysis bullosa pruriginosa. Also called: DEB, PRURIGINOSA; DYSTROPHIC EPIDERMOLYSIS BULLOSA PRURIGINOSA. Identifiers: Orphanet 89843, MedGen C1275114, MONDO:0011398, OMIM 604129.
Recessive dystrophic epidermolysis bullosa (RDEB). Also called: epidermolysis bullosa dystrophica, autosomal recessive; DYSTROPHIC EPIDERMOLYSIS BULLOSA, AUTOSOMAL RECESSIVE; EPIDERMOLYSIS BULLOSA DYSTROPHICA, HALLOPEAU-SIEMENS TYPE; EPIDERMOLYSIS BULLOSA DYSTROPHICA, GENERALIZED SEVERE, AUTOSOMAL RECESSIVE; Hallopeau-Siemens Disease; severe generalized recessive dystrophic epidermolysis bullosa. Identifiers: Orphanet 79408, Orphanet 79409, MedGen C0079474, MONDO:0009179, OMIM 226600.
Nonsyndromic congenital nail disorder 8. Also called: TOENAIL DYSTROPHY, ISOLATED. Identifiers: MedGen C1843761, MONDO:0011852, OMIM 607523.
Pretibial dystrophic epidermolysis bullosa. Also called: EPIDERMOLYSIS BULLOSA DYSTROPHICA, PRETIBIAL; Pretibial epidermolysis bullosa; Pretibial blistering. Identifiers: Orphanet 79410, MedGen C0432321, MONDO:0007552, OMIM 131850, HP:0012221.
Dominant dystrophic epidermolysis bullosa with absence of skin. Also called: EPIDERMOLYSIS BULLOSA DYSTROPHICA, BART TYPE; EPIDERMOLYSIS BULLOSA WITH CONGENITAL LOCALIZED ABSENCE OF SKIN AND DEFORMITY OF NAILS. Identifiers: MedGen C0268371, MONDO:0007557, OMIM 132000.
Generalized dominant dystrophic epidermolysis bullosa (DDEB). Also called: DDEB, generalized; DDEB-gen; DYSTROPHIC EPIDERMOLYSIS BULLOSA, AUTOSOMAL DOMINANT; Epidermolysis bullosa dystrophica, autosomal dominant; Dominant DEB (DDEB). Identifiers: Orphanet 231568, MedGen C0432322, MONDO:0007549, OMIM 131750.
Transient bullous dermolysis of the newborn (TBDN). Also called: EPIDERMOLYSIS BULLOSA DYSTROPHICA, NEONATAL FORM; DYSTROPHIC EPIDERMOLYSIS BULLOSA, NEONATAL. Identifiers: Orphanet 79411, MedGen C1851573, MONDO:0007548, OMIM 131705.

Submissions (2):

Fulgent Genetics
Classification: Likely pathogenic for Transient bullous dermolysis of the newborn; Generalized dominant dystrophic epidermolysis bullosa; Pretibial dystrophic epidermolysis bullosa; Dominant dystrophic epidermolysis bullosa with absence of skin; Recessive dystrophic epidermolysis bullosa; Epidermolysis bullosa pruriginosa; Nonsyndromic congenital nail disorder 8. Last evaluated: 2024-04-30. Review status: criteria provided, single submitter. Criteria: ACMG Guidelines, 2015. Collection method: clinical testing. Allele origin: germline.

Labcorp Genetics (formerly Invitae), Labcorp
Classification: Pathogenic. Last evaluated: 2019-02-13. Review status: criteria provided, single submitter. Criteria: Invitae Variant Classification Sherloc (09022015). Collection method: clinical testing. Allele origin: germline.
Comment: This variant has not been reported in the literature in individuals with COL7A1-related conditions. For these reasons, this variant has been classified as Pathogenic. Loss-of-function variants in COL7A1 are known to be pathogenic (PMID: 16971478). This variant is not present in population databases (ExAC no frequency). This sequence change creates a premature translational stop signal (p.Leu822Thrfs*44) in the COL7A1 gene. It is expected to result in an absent or disrupted protein product.

Literature cited by the submitters: PubMed 16971478 (cited by Labcorp Genetics (formerly Invitae), Labcorp).

NM_000094.4(COL7A1):c.2463dup (p.Leu822fs)

Gene: COL7A1 (collagen type VII alpha 1 chain; minus strand). Cytogenetic location: 3p21.31.
Variant type: Duplication.
Coding change: c.2463dup on transcript NM_000094.4 (MANE Select); coding-DNA position 2463, one base duplicated (A; older notation c.2463dupA).
Protein change: p.Leu822fs; shifts the reading frame from leucine 822.
Molecular consequence: frameshift variant.
Genome position (GRCh38, 1-based): chr3:48,588,766, T duplicated on the plus strand (A on the coding strand, the reverse complement: COL7A1 is on the minus strand). VCF-style (leftmost placement, unchanged base first): chr3-48588765-G-GT. GRCh37 (hg19) VCF-style: chr3-48626198-G-GT.
Other names: short protein forms L822fs.
Identifiers: ClinVar variation 849691 (VCV000849691.7), dbSNP rs2045478123, ClinGen allele CA916080330.